The following is an entry in ClinVar:

NM_005802.5(TOPORS):c.2733CAGTGA[1] (p.912SD[1])

Gene: TOPORS (TOP1 binding arginine/serine rich protein, E3 ubiquitin ligase; minus strand). Cytogenetic location: 9p21.1.
Variant type: Microsatellite.
Coding change: c.2733CAGTGA[1] on transcript NM_005802.5 (MANE Select); one copy of the 6-base unit CAGTGA starting at c.2733; the reference has two copies in a row; one copy, 6 bases deleted.
Protein change: p.912SD[1].
Molecular consequence: inframe deletion.
Genome position (GRCh38, 1-based): chr9:32,541,781-32,541,786, TCACTG deleted on the plus strand (CAGTGA on the coding strand, the reverse complement: TOPORS is on the minus strand); deleting any 6 consecutive bases within chr9:32,541,781-32,541,795 gives the same sequence; the position shown is the placement nearest the transcript's 3' end. VCF-style (leftmost placement, unchanged base first): chr9-32541780-ATCACTG-A. GRCh37 (hg19) VCF-style: chr9-32541778-ATCACTG-A.
Other names: c.2538CAGTGA[1], p.847SD[1] (NM_001195622.2).
Identifiers: ClinVar variation 1524158 (VCV001524158.8), dbSNP rs2118964682, ClinGen allele CA2580616168.
Genomic context (GRCh38, chr9:32,541,780, plus strand): 5'-TAGAGGGTCTTGAGGACCACTATTGTCACATTCTGTATCCTCCTTTACTTCAGAATCCTT[ATCACTG>A]TCACTGTCAATGGTAATTACAACTGGGGAACGTGAAGCATTATCTCCATGGTGTTTCTTA-3'

ClinVar aggregate classification (germline): Uncertain significance (1 of 4 stars; one submission).

Submission:

Labcorp Genetics (formerly Invitae), Labcorp
Classification: Uncertain significance. Last evaluated: 2022-07-12. Review status: criteria provided, single submitter. Criteria: Invitae Variant Classification Sherloc (09022015). Collection method: clinical testing. Allele origin: germline.
Comment: This variant, c.2739_2744del, results in the deletion of 2 amino acid(s) of the TOPORS protein (p.Ser914_Asp915del), but otherwise preserves the integrity of the reading frame. This variant is not present in population databases (gnomAD no frequency). This variant has not been reported in the literature in individuals affected with TOPORS-related conditions. Experimental studies and prediction algorithms are not available or were not evaluated, and the functional significance of this variant is currently unknown. In summary, the available evidence is currently insufficient to determine the role of this variant in disease. Therefore, it has been classified as a Variant of Uncertain Significance.